The following is an entry in ClinVar:

NM_000384.3(APOB):c.1303G>A (p.Asp435Asn)

Gene: APOB (apolipoprotein B; minus strand). Cytogenetic location: 2p24.1.
Variant type: single nucleotide variant.
Coding change: c.1303G>A on transcript NM_000384.3 (MANE Select); coding-DNA position 1303, G replaced by A.
Protein change: p.Asp435Asn; replaces aspartic acid 435 with asparagine.
Molecular consequence: missense variant.
Genome position (GRCh38, 1-based): chr2:21,032,403, C>T on the plus strand (G>A on the coding strand, the complement: APOB is on the minus strand). VCF-style: chr2-21032403-C-T. GRCh37 (hg19) VCF-style: chr2-21255275-C-T.
Other names: short protein forms D435N.
Identifiers: ClinVar variation 1769464 (VCV001769464.2), dbSNP rs1255501488, ClinGen allele CA345957579.

ClinVar aggregate classification (germline): Uncertain significance (1 of 4 stars; one submission).

Conditions:
Cardiovascular phenotype. Identifiers: MedGen CN230736.

gnomAD v4.1: 6 of 1,614,020 alleles (0.00037%); highest among the groups gnomAD compares: South Asian, 0.0044%; no homozygotes.

Submission:

Ambry Genetics
Classification: Uncertain significance for Cardiovascular phenotype. Last evaluated: 2022-03-25. Review status: criteria provided, single submitter. Criteria: Ambry Variant Classification Scheme 2023. Collection method: clinical testing. Allele origin: germline.
Comment: The p.D435N variant (also known as c.1303G>A), located in coding exon 10 of the APOB gene, results from a G to A substitution at nucleotide position 1303. The aspartic acid at codon 435 is replaced by asparagine, an amino acid with highly similar properties. This amino acid position is conserved. In addition, this alteration is predicted to be tolerated by in silico analysis. Since supporting evidence is limited at this time, the clinical significance of this alteration remains unclear.